The following is an entry in ClinVar:

NM_000127.3(EXT1):c.1664A>G (p.Asn555Ser)

Gene: EXT1 (exostosin glycosyltransferase 1; minus strand). Cytogenetic location: 8q24.11.
Variant type: single nucleotide variant.
Coding change: c.1664A>G on transcript NM_000127.3 (MANE Select); coding-DNA position 1664, A replaced by G.
Protein change: p.Asn555Ser; replaces asparagine 555 with serine.
Molecular consequence: missense variant.
Genome position (GRCh38, 1-based): chr8:117,812,930, T>C on the plus strand (A>G on the coding strand, the complement: EXT1 is on the minus strand). VCF-style: chr8-117812930-T-C. GRCh37 (hg19) VCF-style: chr8-118825169-T-C.
Other names: short protein forms N555S.
Identifiers: ClinVar variation 3714491 (VCV003714491.2).

ClinVar aggregate classification (germline): Uncertain significance (1 of 4 stars; one submission).

Conditions:
Multiple congenital exostosis (EXT). Also called: MULTIPLE CARTILAGINOUS EXOSTOSES; Multiple exostoses; Hereditary multiple osteochondromas; Hereditary multiple exostoses; Hereditary multiple exostosis; Multiple osteochondromas. Identifiers: Orphanet 321, MedGen C0015306, MONDO:0005508, HP:0002762.

Submission:

Labcorp Genetics (formerly Invitae), Labcorp
Classification: Uncertain significance for Multiple congenital exostosis. Last evaluated: 2024-10-15. Review status: criteria provided, single submitter. Criteria: Invitae Variant Classification Sherloc (09022015). Collection method: clinical testing. Allele origin: germline.
Comment: This sequence change replaces asparagine, which is neutral and polar, with serine, which is neutral and polar, at codon 555 of the EXT1 protein (p.Asn555Ser). This variant is not present in population databases (gnomAD no frequency). This variant has not been reported in the literature in individuals affected with EXT1-related conditions. Invitae Evidence Modeling of protein sequence and biophysical properties (such as structural, functional, and spatial information, amino acid conservation, physicochemical variation, residue mobility, and thermodynamic stability) indicates that this missense variant is not expected to disrupt EXT1 protein function with a negative predictive value of 80%. In summary, the available evidence is currently insufficient to determine the role of this variant in disease. Therefore, it has been classified as a Variant of Uncertain Significance.